The following is an entry in ClinVar:

NM_001042492.3(NF1):c.3965A>G (p.Asp1322Gly)

Gene: NF1 (neurofibromin 1; plus strand). Cytogenetic location: 17q11.2.
Variant type: single nucleotide variant.
Coding change: c.3965A>G on transcript NM_001042492.3 (MANE Select); coding-DNA position 3965, A replaced by G.
Protein change: p.Asp1322Gly; replaces aspartic acid 1322 with glycine.
Molecular consequence: missense variant.
Genome position (GRCh38, 1-based): chr17:31,236,012, A>G. VCF-style: chr17-31236012-A-G. GRCh37 (hg19) VCF-style: chr17-29563030-A-G.
Other names: c.3965A>G, p.Asp1322Gly (NM_000267.4); short protein forms D1322G.
Identifiers: ClinVar variation 2750397 (VCV002750397.5), dbSNP rs1555615565, ClinGen allele CA398993325.

ClinVar aggregate classification (germline): Uncertain significance. Review status: criteria provided, multiple submitters, no conflicts (2 of 4 stars). 4 submissions from 4 submitters: Uncertain significance (4). Last evaluated 2026-10-06.

Conditions:
Neurofibromatosis, type 1 (NF1). Also called: Neurofibromatosis, type I; NEUROFIBROMATOSIS, TYPE I, SOMATIC; Peripheral type neurofibromatosis; VON RECKLINGHAUSEN DISEASE. Identifiers: Orphanet 636, MedGen C0027831, MONDO:0018975, OMIM 162200. Disease mechanism: loss of function.

Submissions (4):

NHS Central & South Genomic Laboratory Hub
Classification: Uncertain significance for Neurofibromatosis type 1. Last evaluated: 2026-10-06. Review status: criteria provided, single submitter. Criteria: ACMG Guidelines, 2015. Collection method: clinical testing. Allele origin: germline. Affected: yes.

GeneDx
Classification: Uncertain significance. Last evaluated: 2024-12-31. Review status: criteria provided, single submitter. Criteria: GeneDx Variant Classification Process June 2021. Collection method: clinical testing. Allele origin: germline. Affected: yes.
Comment: Not observed at significant frequency in large population cohorts (gnomAD); In silico analysis supports that this missense variant has a deleterious effect on protein structure/function; In silico analysis is inconclusive as to whether the variant alters gene splicing. In the absence of RNA/functional studies, the actual effect of this sequence change is unknown; Has not been previously published as pathogenic or benign to our knowledge; This variant is associated with the following publications: (PMID: 25486365, 22807134)

Labcorp Genetics (formerly Invitae), Labcorp
Classification: Uncertain significance for Neurofibromatosis, type 1. Last evaluated: 2024-11-24. Review status: criteria provided, single submitter. Criteria: Invitae Variant Classification Sherloc (09022015). Collection method: clinical testing. Allele origin: germline.
Comment: This sequence change replaces aspartic acid, which is acidic and polar, with glycine, which is neutral and non-polar, at codon 1322 of the NF1 protein (p.Asp1322Gly). This variant is not present in population databases (gnomAD no frequency). This variant has not been reported in the literature in individuals affected with NF1-related conditions. ClinVar contains an entry for this variant (Variation ID: 2750397). Invitae Evidence Modeling of protein sequence and biophysical properties (such as structural, functional, and spatial information, amino acid conservation, physicochemical variation, residue mobility, and thermodynamic stability) indicates that this missense variant is expected to disrupt NF1 protein function with a positive predictive value of 95%. In summary, the available evidence is currently insufficient to determine the role of this variant in disease. Therefore, it has been classified as a Variant of Uncertain Significance.

Blueprint Genetics
Classification: Uncertain significance. Last evaluated: 2023-02-17. Review status: criteria provided, single submitter. Criteria: ACMG Guidelines, 2015. Collection method: clinical testing. Allele origin: germline.